The following is an entry in ClinVar:

ClinVar aggregate classification (germline): Conflicting classifications of pathogenicity. Review status: criteria provided, conflicting classifications (1 of 4 stars). 7 submissions from 6 submitters: Pathogenic (1); Likely pathogenic (3); Uncertain significance (3). Last evaluated 2024-04-02.

Conditions:
USH2A-related disorder. Also called: USH2A-related condition; USH2A-related disorders. Identifiers: MedGen CN239332.
Retinitis pigmentosa 39 (RP39). Identifiers: Orphanet 791, MedGen C3151138, MONDO:0013436, OMIM 613809.
Usher syndrome type 2A. Also called: RETINAL DISEASE IN USHER SYNDROME TYPE IIA, MODIFIER OF; USHER SYNDROME, TYPE IIA. Identifiers: Orphanet 231178, Orphanet 886, MedGen C1848634, MONDO:0010169, OMIM 276901.

gnomAD v4.1: 3 of 1,614,030 alleles (0.00019%); highest among the groups gnomAD compares: South Asian, 0.0033%; no homozygotes.

Submissions (7):

Natera, Inc.
Classification: Likely pathogenic for Usher syndrome type 2A. Last evaluated: 2024-04-02. Review status: criteria provided, single submitter. Criteria: Natera Variant Classification Schema (03/2026). Collection method: clinical testing. Allele origin: germline.
Comment: The c.11156G>T variant in USH2A is a missense variant predicted to cause substitution of arginine to leucine at amino acid 3719. This variant is rare in the general population with a frequency below the threshold expected for the associated phenotype(s). This variant has been observed in one or more individuals affected with the associated recessive disease, as either homozygous or compound heterozygous with a second variant (PMID: 36011334, 29899460, 31998945). A different variant at the same position has been determined to be Pathogenic or Likely Pathogenic. Given the available evidence, this variant is classified as Likely Pathogenic.

Fulgent Genetics
Classification: Likely pathogenic for Usher syndrome type 2A; Retinitis pigmentosa 39. Last evaluated: 2024-03-11. Review status: criteria provided, single submitter. Criteria: ACMG Guidelines, 2015. Collection method: clinical testing. Allele origin: germline.

Baylor Genetics
Classification: Pathogenic for Retinitis pigmentosa 39. Last evaluated: 2023-12-12. Review status: criteria provided, single submitter. Criteria: ACMG Guidelines, 2015. Collection method: clinical testing. Allele origin: unknown.

Genome-Nilou Lab
Classification: Uncertain significance for Retinitis pigmentosa 39. Last evaluated: 2023-11-04. Review status: criteria provided, single submitter. Criteria: ACMG Guidelines, 2015. Collection method: clinical testing. Allele origin: germline. Affected: no.

Genome-Nilou Lab
Classification: Uncertain significance for Usher syndrome type 2A. Last evaluated: 2023-11-04. Review status: criteria provided, single submitter. Criteria: ACMG Guidelines, 2015. Collection method: clinical testing. Allele origin: germline. Affected: no.

Blueprint Genetics
Classification: Likely pathogenic for USH2A-related disorders. Last evaluated: 2021-11-18. Review status: criteria provided, single submitter. Criteria: ACMG Guidelines, 2015. Collection method: clinical testing. Allele origin: germline. Affected: yes. Observed: 4 variant alleles.

Ocular Genomics Institute, Massachusetts Eye and Ear
Classification: Uncertain significance for Retinitis pigmentosa 39. Last evaluated: 2021-04-08. Review status: criteria provided, single submitter. Criteria: ACMG Guidelines, 2015. Collection method: research. Allele origin: germline. Affected: yes.
Comment: Through a review of available evidence we were able to apply the following criteria: PM2. Based on this evidence we have classified this variant as Variant of Uncertain Significance.

Literature cited by the submitters: PubMed 36011334 (cited by Natera, Inc.); PubMed 29899460 (cited by Natera, Inc.); PubMed 31998945 (cited by Natera, Inc.).

NM_206933.4(USH2A):c.11156G>T (p.Arg3719Leu)

Gene: USH2A (usherin; minus strand). Cytogenetic location: 1q41.
Variant type: single nucleotide variant.
Coding change: c.11156G>T on transcript NM_206933.4 (MANE Select); coding-DNA position 11156, G replaced by T.
Protein change: p.Arg3719Leu; replaces arginine 3719 with leucine.
Molecular consequence: missense variant.
Genome position (GRCh38, 1-based): chr1:215,759,735, C>A on the plus strand (G>T on the coding strand, the complement: USH2A is on the minus strand). VCF-style: chr1-215759735-C-A. GRCh37 (hg19) VCF-style: chr1-215933077-C-A.
Other names: short protein forms R3719L.
Identifiers: ClinVar variation 866354 (VCV000866354.7), dbSNP rs527236139, ClinGen allele CA1393801.
Genomic context (GRCh38, chr1:215,759,735, plus strand): 5'-AGGTTTTTATCAGTGAAATTCTGCTCCTCACTGCCACCCAGGAAAAGCAAGTTTCCATTA[C>A]GACTCAATTGATATTGAGAAACGAGGCCATTGGGCTTTTCTGGCAGACTCCAATATAATT-3'
Protein context (NP_996816.3, residues 3709-3729): NGLVSQYQLS[Arg3719Leu]NGNLLFLGGS